The following is an entry in ClinVar:

NM_018062.4(FANCL):c.1078C>A (p.Pro360Thr)

Gene: FANCL (FA complementation group L; minus strand). Cytogenetic location: 2p16.1.
Variant type: single nucleotide variant.
Coding change: c.1078C>A on transcript NM_018062.4 (MANE Select); coding-DNA position 1078, C replaced by A.
Protein change: p.Pro360Thr; replaces proline 360 with threonine.
Molecular consequence: missense variant.
Genome position (GRCh38, 1-based): chr2:58,160,122, G>T on the plus strand (C>A on the coding strand, the complement: FANCL is on the minus strand). VCF-style: chr2-58160122-G-T. GRCh37 (hg19) VCF-style: chr2-58387257-G-T.
Other names: c.1093C>A, p.Pro365Thr (NM_001114636.2); c.1123C>A, p.Pro375Thr (NM_001374615.1); c.1138C>A, p.Pro380Thr (NM_001410792.1); short protein forms P365T, P375T, P360T, P380T.
Identifiers: ClinVar variation 1440583 (VCV001440583.4), dbSNP rs748875030, ClinGen allele CA346930972.
Genomic context (GRCh38, chr2:58,160,122, plus strand): 5'-TGAAAGCTAGGCACATTTTATGAGATGTGATTAACAATTTGCTTACCTTACTACAATATG[G>T]ACATTCACCAAATATGATGTTAAAACTCTGTCTACTAGTTAGTAGTCCTCTCAGCCACTG-3'
Protein context (NP_060532.2, residues 350-370): QSFNIIFGEC[Pro360Thr]YCSKPITLKM

ClinVar aggregate classification (germline): Uncertain significance. Review status: criteria provided, multiple submitters, no conflicts (2 of 4 stars). 2 submissions from 2 submitters: Uncertain significance (2). Last evaluated 2022-12-19.

Conditions:
Inborn genetic diseases. Identifiers: MedGen C0950123, MeSH D030342.
Fanconi anemia (FA). Also called: Fanconi's anemia. Identifiers: Orphanet 84, MedGen C0015625, MeSH D005199, MONDO:0019391.

Allele frequency attached by ClinVar (database versions not stated): TOPMed 0.00001.
gnomAD v4.1: 12 of 1,612,522 alleles (0.00074%); highest among the groups gnomAD compares: Non-Finnish European, 0.001%; no homozygotes.

Submissions (2):

Ambry Genetics
Classification: Uncertain significance for Inborn genetic diseases. Last evaluated: 2022-12-19. Review status: criteria provided, single submitter. Criteria: Ambry Variant Classification Scheme 2023. Collection method: clinical testing. Allele origin: germline.

Labcorp Genetics (formerly Invitae), Labcorp
Classification: Uncertain significance for Fanconi anemia. Last evaluated: 2022-08-17. Review status: criteria provided, single submitter. Criteria: Invitae Variant Classification Sherloc (09022015). Collection method: clinical testing. Allele origin: germline.
Comment: This sequence change replaces proline, which is neutral and non-polar, with threonine, which is neutral and polar, at codon 360 of the FANCL protein (p.Pro360Thr). This variant is present in population databases (no rsID available, gnomAD 0.0009%). This variant has not been reported in the literature in individuals affected with FANCL-related conditions. ClinVar contains an entry for this variant (Variation ID: 1440583). Algorithms developed to predict the effect of missense changes on protein structure and function (SIFT, PolyPhen-2, Align-GVGD) all suggest that this variant is likely to be disruptive. In summary, the available evidence is currently insufficient to determine the role of this variant in disease. Therefore, it has been classified as a Variant of Uncertain Significance.